The following is an entry in ClinVar:

ClinVar aggregate classification (germline): Likely pathogenic (0 of 4 stars; one submission).

Allele frequency attached by ClinVar (database versions not stated): ExAC 0.00001; gnomAD exomes below 0.00001.

Submission:

Department of Pathology and Laboratory Medicine, Sinai Health System
Classification: Likely pathogenic. Review status: no assertion criteria provided. Collection method: clinical testing. Allele origin: unknown. Affected: yes. Study: The Canadian Open Genetics Repository (COGR).
Comment: The DNAH11 c.13163-1G>A variant was not identified in the literature nor was it identified in ClinVar. The variant was identified in dbSNP (ID: rs762596479) and in control databases in 1 of 248738 chromosomes at a frequency of 0.00000402 (Genome Aggregation Database March 6, 2019, v2.1.1). The variant was observed in the European (non-Finnish) population in 1 of 112778 chromosomes (freq: 0.000009), but was not observed in the African, Latino, Ashkenazi Jewish, East Asian, European (Finnish), Other, or South Asian populations. The c.13163-1G>A variant is predicted to cause abnormal splicing because the nucleotide substitution occurs in the invariant region of the splice consensus sequence. In addition, three of four in silico or computational prediction software programs (SpliceSiteFinder, MaxEntScan, NNSPLICE, GeneSplicer) predict a difference in splicing and the loss of the canonical 3' splice site. In summary, based on the above information the clinical significance of this variant cannot be determined with certainty at this time although we would lean towards a more pathogenic role for this variant. This variant is classified as likely pathogenic.

NM_001277115.2(DNAH11):c.13163-1G>A

Gene: DNAH11 (dynein axonemal heavy chain 11; plus strand). Cytogenetic location: 7p15.3.
Variant type: single nucleotide variant.
Coding change: c.13163-1G>A on transcript NM_001277115.2 (MANE Select); the canonical splice acceptor site of the intron before coding-DNA position 13163, G replaced by A.
Molecular consequence: splice acceptor variant.
Genome position (GRCh38, 1-based): chr7:21,899,979, G>A. VCF-style: chr7-21899979-G-A. GRCh37 (hg19) VCF-style: chr7-21939597-G-A.
Identifiers: ClinVar variation 1050558 (VCV001050558.1), dbSNP rs762596479, ClinGen allele CA4183353.
Genomic context (GRCh38, chr7:21,899,979, plus strand): 5'-GCTCCCGGGAACCTTACATGCAACACTTTTATCCTATTCAATTTTTGTTATATTTCCAAA[G>A]CAATCATGCAGACGATGGCTCGAAAAAATGAGTGGCCCCTGGATAAAACGCGCTTGACTG-3'